The following is an entry in ClinVar:

ClinVar aggregate classification (germline): Uncertain significance (1 of 4 stars; one submission).

Submission:

Labcorp Genetics (formerly Invitae), Labcorp
Classification: Uncertain significance. Last evaluated: 2022-03-23. Review status: criteria provided, single submitter. Criteria: Invitae Variant Classification Sherloc (09022015). Collection method: clinical testing. Allele origin: germline.
Comment: This variant has not been reported in the literature in individuals affected with CACNA1B-related conditions. Experimental studies and prediction algorithms are not available or were not evaluated, and the functional significance of this variant is currently unknown. In summary, the available evidence is currently insufficient to determine the role of this variant in disease. Therefore, it has been classified as a Variant of Uncertain Significance. This variant is not present in population databases (gnomAD no frequency). This sequence change creates a premature translational stop signal (p.Leu2238Cysfs*63) in the CACNA1B gene. While this is not anticipated to result in nonsense mediated decay, it is expected to disrupt the last 102 amino acid(s) of the CACNA1B protein.

NM_000718.4(CACNA1B):c.6712del (p.Leu2238fs)

Gene: CACNA1B (calcium voltage-gated channel subunit alpha1 B; plus strand). Cytogenetic location: 9q34.3.
Variant type: Deletion.
Coding change: c.6712del on transcript NM_000718.4 (MANE Select); coding-DNA position 6712, one base deleted (C; older notation c.6712delC).
Protein change: p.Leu2238fs; shifts the reading frame from leucine 2238.
Molecular consequence: frameshift variant.
Genome position (GRCh38, 1-based): chr9:138,121,691, C deleted; the last of 3 consecutive C bases (chr9:138,121,689-138,121,691); deleting any one gives the same sequence. VCF-style (leftmost placement, unchanged base first): chr9-138121688-GC-G. GRCh37 (hg19) VCF-style: chr9-141016140-GC-G.
Other names: c.6525del, p.Cys2176fs (NM_001243812.2); short protein forms L2238fs, C2176fs.
Identifiers: ClinVar variation 2116291 (VCV002116291.4), dbSNP rs2539618976, ClinGen allele CA2580081065.